The following is an entry in ClinVar:

NM_032188.3(KAT8):c.1070del (p.Gly357fs)

Gene: KAT8 (lysine acetyltransferase 8; plus strand). Cytogenetic location: 16p11.2.
Variant type: Deletion.
Coding change: c.1070del on transcript NM_032188.3 (MANE Select); coding-DNA position 1070, one base deleted (G; older notation c.1070delG).
Protein change: p.Gly357fs; shifts the reading frame from glycine 357.
Molecular consequence: frameshift variant.
Genome position (GRCh38, 1-based): chr16:31,130,519, G deleted; the last of 3 consecutive G bases (chr16:31,130,517-31,130,519); deleting any one gives the same sequence. VCF-style (leftmost placement, unchanged base first): chr16-31130516-TG-T. GRCh37 (hg19) VCF-style: chr16-31141837-TG-T.
Other names: c.1070del, p.Gly357fs (NM_182958.4); short protein forms G357fs.
Identifiers: ClinVar variation 4056906 (VCV004056906.1).
Genomic context (GRCh38, chr16:31,130,516, plus strand): 5'-GTTATGAGCTCTCCAAGCTGGAGAGCACAGTCGGCTCCCCGGAGAAGCCACTGTCTGACC[TG>T]GGCAAGCTCAGCTACCGCAGCTACTGGTCCTGGGTGCTGCTAGAGATCCTGCGGGACTTC-3'

ClinVar aggregate classification (germline): Uncertain significance (1 of 4 stars; one submission).

Submission:

GeneDx
Classification: Uncertain significance. Last evaluated: 2025-01-08. Review status: criteria provided, single submitter. Criteria: GeneDx Variant Classification Process June 2021. Collection method: clinical testing. Allele origin: germline. Affected: yes.
Comment: Not observed at significant frequency in large population cohorts (gnomAD); Frameshift variant predicted to result in abnormal protein length as the last 111 amino acids are replaced with 13 different amino acids with an unclear effect on protein function; Has not been previously published as pathogenic or benign to our knowledge